The following is an entry in ClinVar:

NM_020708.5(SLC12A5):c.1775G>A (p.Arg592Gln)

Gene: SLC12A5 (solute carrier family 12 member 5; plus strand). Cytogenetic location: 20q13.12.
Variant type: single nucleotide variant.
Coding change: c.1775G>A on transcript NM_020708.5 (MANE Select); coding-DNA position 1775, G replaced by A.
Protein change: p.Arg592Gln; replaces arginine 592 with glutamine.
Molecular consequence: missense variant.
Genome position (GRCh38, 1-based): chr20:46,046,424, G>A. VCF-style: chr20-46046424-G-A. GRCh37 (hg19) VCF-style: chr20-44675063-G-A.
Other names: c.1844G>A, p.Arg615Gln (NM_001134771.2); short protein forms R615Q, R592Q.
Identifiers: ClinVar variation 1368015 (VCV001368015.8), dbSNP rs368661669, ClinGen allele CA9887424.
Genomic context (GRCh38, chr20:46,046,424, plus strand): 5'-TGAATCTGGCCTGTGCAGTGCAGACGCTGCTGAGGACACCCAACTGGAGGCCACGCTTTC[G>A]ATATTACCACTGGTGGGTGCTCTGTCCCCACACTTCCACTGAGCCACTTGCTCACCTCCA-3'
Protein context (NP_065759.1, residues 582-602): LRTPNWRPRF[Arg592Gln]YYHWTLSFLG

ClinVar aggregate classification (germline): Uncertain significance (1 of 4 stars; one submission).

Conditions:
Developmental and epileptic encephalopathy, 34 (DEE34). Also called: Early infantile epileptic encephalopathy 34; SLC12A5-Related Epilepsy of Infancy with Migrating Focal Seizures. Identifiers: Orphanet 293181, MedGen C4225257, MONDO:0014718, OMIM 616645.

Allele frequency attached by ClinVar (database versions not stated): TOPMed below 0.00001; gnomAD 0.00001; ESP Exome Variant Server 0.00008; 1000 Genomes Project 30x 0.00016; 1000 Genomes Project 0.00020.

Submission:

Labcorp Genetics (formerly Invitae), Labcorp
Classification: Uncertain significance for Developmental and epileptic encephalopathy, 34. Last evaluated: 2021-02-26. Review status: criteria provided, single submitter. Criteria: Invitae Variant Classification Sherloc (09022015). Collection method: clinical testing. Allele origin: germline.
Comment: Advanced modeling of protein sequence and biophysical properties (such as structural, functional, and spatial information, amino acid conservation, physicochemical variation, residue mobility, and thermodynamic stability) performed at Invitae indicates that this missense variant is not expected to disrupt SLC12A5 protein function. This sequence change replaces arginine with glutamine at codon 592 of the SLC12A5 protein (p.Arg592Gln). The arginine residue is moderately conserved and there is a small physicochemical difference between arginine and glutamine. This variant is present in population databases (rs368661669, ExAC 0.02%). This variant has not been reported in the literature in individuals with SLC12A5-related conditions. In summary, the available evidence is currently insufficient to determine the role of this variant in disease. Therefore, it has been classified as a Variant of Uncertain Significance.